The following is an entry in ClinVar:

NM_000821.7(GGCX):c.1085T>C (p.Leu362Pro)

Gene: GGCX (gamma-glutamyl carboxylase; minus strand). Cytogenetic location: 2p11.2.
Variant type: single nucleotide variant.
Coding change: c.1085T>C on transcript NM_000821.7 (MANE Select); coding-DNA position 1085, T replaced by C.
Protein change: p.Leu362Pro; replaces leucine 362 with proline.
Molecular consequence: missense variant.
Genome position (GRCh38, 1-based): chr2:85,553,302, A>G on the plus strand (T>C on the coding strand, the complement: GGCX is on the minus strand). VCF-style: chr2-85553302-A-G. GRCh37 (hg19) VCF-style: chr2-85780425-A-G.
Other names: c.914T>C, p.Leu305Pro (NM_001142269.4); short protein forms L305P, L362P.
Identifiers: ClinVar variation 1978584 (VCV001978584.1), dbSNP rs748201719, ClinGen allele CA1741935.
Genomic context (GRCh38, chr2:85,553,302, plus strand): 5'-AAATGAGAATAGGGCAGGAATAGCTGCTCCAGGAGGTAGAGCAGGGTGAAGGCAGCTCCC[A>G]GCTGATGGCGCAGCCCTGGCTTCTGGCCACTTTTGCCCCGGCTCCTCTTATACACACAGG-3'
Protein context (NP_000812.2, residues 352-372): SGQKPGLRHQ[Leu362Pro]GAAFTLLYLL

ClinVar aggregate classification (germline): Uncertain significance (1 of 4 stars; one submission).

Allele frequency attached by ClinVar (database versions not stated): gnomAD 0.00001; gnomAD exomes 0.00001; TOPMed 0.00001; ExAC 0.00003.
gnomAD v4.1: 8 of 1,614,076 alleles (0.0005%); highest among the groups gnomAD compares: Non-Finnish European, 0.00059%; no homozygotes.

Submission:

Labcorp Genetics (formerly Invitae), Labcorp
Classification: Uncertain significance. Last evaluated: 2022-06-14. Review status: criteria provided, single submitter. Criteria: Invitae Variant Classification Sherloc (09022015). Collection method: clinical testing. Allele origin: germline.
Comment: This sequence change replaces leucine, which is neutral and non-polar, with proline, which is neutral and non-polar, at codon 362 of the GGCX protein (p.Leu362Pro). This variant is present in population databases (rs748201719, gnomAD 0.004%). This variant has not been reported in the literature in individuals affected with GGCX-related conditions. Algorithms developed to predict the effect of missense changes on protein structure and function are either unavailable or do not agree on the potential impact of this missense change (SIFT: "Deleterious"; PolyPhen-2: "Probably Damaging"; Align-GVGD: "Class C0"). In summary, the available evidence is currently insufficient to determine the role of this variant in disease. Therefore, it has been classified as a Variant of Uncertain Significance.